The following is an entry in ClinVar:

NM_001001331.4(ATP2B2):c.3176T>C (p.Leu1059Pro)

Gene: ATP2B2 (ATPase plasma membrane Ca2+ transporting 2; minus strand). Cytogenetic location: 3p25.3.
Variant type: single nucleotide variant.
Coding change: c.3176T>C on transcript NM_001001331.4 (MANE Select); coding-DNA position 3176, T replaced by C.
Protein change: p.Leu1059Pro; replaces leucine 1059 with proline.
Molecular consequence: missense variant.
Genome position (GRCh38, 1-based): chr3:10,340,303, A>G on the plus strand (T>C on the coding strand, the complement: ATP2B2 is on the minus strand). VCF-style: chr3-10340303-A-G. GRCh37 (hg19) VCF-style: chr3-10381987-A-G.
Other names: c.3041T>C, p.Leu1014Pro (NM_001330611.3, NM_001353564.1, NM_001363862.1 and 1 more transcripts); c.3041T>C (NM_001683.3); short protein forms L1014P, L1059P.
Identifiers: ClinVar variation 2117963 (VCV002117963.6), dbSNP rs2470122747, ClinGen allele CA351775683.

ClinVar aggregate classification (germline): Uncertain significance. Review status: criteria provided, multiple submitters, no conflicts (2 of 4 stars). 2 submissions from 2 submitters: Uncertain significance (2). Last evaluated 2025-01-17.

Submissions (2):

GeneDx
Classification: Uncertain significance. Last evaluated: 2025-01-17. Review status: criteria provided, single submitter. Criteria: GeneDx Variant Classification Process June 2021. Collection method: clinical testing. Allele origin: germline.
Comment: Not observed at significant frequency in large population cohorts (gnomAD); In silico analysis supports that this missense variant has a deleterious effect on protein structure/function; Has not been previously published as pathogenic or benign to our knowledge

Labcorp Genetics (formerly Invitae), Labcorp
Classification: Uncertain significance. Last evaluated: 2022-12-06. Review status: criteria provided, single submitter. Criteria: Invitae Variant Classification Sherloc (09022015). Collection method: clinical testing. Allele origin: germline.
Comment: This variant has not been reported in the literature in individuals affected with ATP2B2-related conditions. In summary, the available evidence is currently insufficient to determine the role of this variant in disease. Therefore, it has been classified as a Variant of Uncertain Significance. Advanced modeling of protein sequence and biophysical properties (such as structural, functional, and spatial information, amino acid conservation, physicochemical variation, residue mobility, and thermodynamic stability) performed at Invitae indicates that this missense variant is expected to disrupt ATP2B2 protein function. This variant is not present in population databases (gnomAD no frequency). This sequence change replaces leucine, which is neutral and non-polar, with proline, which is neutral and non-polar, at codon 1014 of the ATP2B2 protein (p.Leu1014Pro).